The following is an entry in ClinVar:

NM_001370259.2(MEN1):c.1646C>T (p.Pro549Leu)

Gene: MEN1 (menin 1; minus strand). Cytogenetic location: 11q13.1.
Variant type: single nucleotide variant.
Coding change: c.1646C>T on transcript NM_001370259.2 (MANE Select); coding-DNA position 1646, C replaced by T.
Protein change: p.Pro549Leu; replaces proline 549 with leucine.
Molecular consequence: missense variant.
Genome position (GRCh38, 1-based): chr11:64,804,521, G>A on the plus strand (C>T on the coding strand, the complement: MEN1 is on the minus strand). VCF-style: chr11-64804521-G-A. GRCh37 (hg19) VCF-style: chr11-64571993-G-A.
Other names: c.1661C>T, p.Pro554Leu (NM_000244.4, NM_001407145.1, NM_130800.3 and 4 more transcripts); c.1772C>T, p.Pro591Leu (NM_001370251.2, NM_001407142.1, NM_001407143.1 and 1 more transcripts); c.1646C>T, p.Pro549Leu (NM_001370260.2, NM_001370261.2, NM_001407146.1 and 2 more transcripts); c.1541C>T, p.Pro514Leu (NM_001370262.2, NM_001370263.2, NM_001407148.1 and 1 more transcripts); c.1787C>T, p.Pro596Leu (NM_001407150.1); c.1667C>T, p.Pro556Leu (NM_001407151.1); c.1481C>T, p.Pro494Leu (NM_001407152.1); short protein forms P549L, P591L, P494L, P554L, P514L, P556L, P596L.
Identifiers: ClinVar variation 1952165 (VCV001952165.5), dbSNP rs1339789101, ClinGen allele CA381177898.

ClinVar aggregate classification (germline): Uncertain significance (1 of 4 stars; one submission).

Conditions:
Multiple endocrine neoplasia, type 1 (MEN1). Also called: MEA I; MEN I; WERMER SYNDROME; Endocrine adenomatosis multiple; MEN 1. Identifiers: Orphanet 652, MedGen C0025267, MeSH D018761, MONDO:0007540, OMIM 131100.

Allele frequency attached by ClinVar (database versions not stated): TOPMed below 0.00001; gnomAD 0.00001.

Submission:

Labcorp Genetics (formerly Invitae), Labcorp
Classification: Uncertain significance for Multiple endocrine neoplasia, type 1. Last evaluated: 2025-01-06. Review status: criteria provided, single submitter. Criteria: Invitae Variant Classification Sherloc (09022015). Collection method: clinical testing. Allele origin: germline.
Comment: This sequence change replaces proline, which is neutral and non-polar, with leucine, which is neutral and non-polar, at codon 549 of the MEN1 protein (p.Pro549Leu). This variant is not present in population databases (gnomAD no frequency). This variant has not been reported in the literature in individuals affected with MEN1-related conditions. ClinVar contains an entry for this variant (Variation ID: 1952165). Invitae Evidence Modeling of protein sequence and biophysical properties (such as structural, functional, and spatial information, amino acid conservation, physicochemical variation, residue mobility, and thermodynamic stability) indicates that this missense variant is expected to disrupt MEN1 protein function with a positive predictive value of 95%. In summary, the available evidence is currently insufficient to determine the role of this variant in disease. Therefore, it has been classified as a Variant of Uncertain Significance.